The following is an entry in ClinVar:

ClinVar aggregate classification (germline): Likely benign (1 of 4 stars; one submission).

Allele frequency attached by ClinVar (database versions not stated): 1000 Genomes Project 30x 0.00031; 1000 Genomes Project 0.00040; ExAC 0.00178; gnomAD 0.00184; TOPMed 0.00200; ESP Exome Variant Server 0.00261; gnomAD exomes 0.00280.

Submission:

CeGaT Center for Human Genetics Tuebingen
Classification: Likely benign. Last evaluated: 2022-10-01. Review status: criteria provided, single submitter. Criteria: CeGaT Center For Human Genetics Tuebingen Variant Classification Criteria Version 2. Collection method: clinical testing. Allele origin: germline. Affected: yes. Observed: 1 variant allele.
Comment: RCN3: BP4, BP7

NM_020650.3(RCN3):c.900G>A (p.Ala300=)

Gene: RCN3 (reticulocalbin 3; plus strand). Cytogenetic location: 19q13.33.
Variant type: single nucleotide variant.
Coding change: c.900G>A on transcript NM_020650.3 (MANE Select); coding-DNA position 900, G replaced by A.
Protein change: p.Ala300=; no amino-acid change (alanine 300 retained).
Molecular consequence: synonymous variant.
Genome position (GRCh38, 1-based): chr19:49,543,126, G>A. VCF-style: chr19-49543126-G-A. GRCh37 (hg19) VCF-style: chr19-50046383-G-A.
Identifiers: ClinVar variation 2650251 (VCV002650251.24), dbSNP rs143600694, ClinGen allele CA9576791.